The following is an entry in ClinVar:

ClinVar aggregate classification (germline): Pathogenic. Review status: reviewed by expert panel (3 of 4 stars). 7 submissions from 7 submitters: Pathogenic (1). 6 of the submissions do not count toward it. Last evaluated 2026-07-06.

Conditions:
BRCA2-related cancer predisposition. Identifiers: MedGen CN377758, MONDO:0700269.
Hereditary cancer-predisposing syndrome. Also called: Neoplastic Syndromes, Hereditary; Tumor predisposition; Hereditary Cancer Syndrome; Hereditary neoplastic syndrome. Identifiers: Orphanet 140162, MedGen C0027672, MeSH D009386, MONDO:0015356.
Breast-ovarian cancer, familial, susceptibility to, 2 (BROVCA2). Also called: BRCA2 Hereditary Breast and Ovarian Cancer. Identifiers: Orphanet 145, MedGen C2675520, MONDO:0012933, OMIM 612555. Disease mechanism: loss of function.
Hereditary breast ovarian cancer syndrome. Also called: Hereditary breast and ovarian cancer syndrome; Hereditary breast and ovarian cancer syndrome (HBOC); BRCA1- and BRCA2-Associated Hereditary Breast and Ovarian Cancer; Hereditary breast and ovarian cancer; Hereditary breast and/or ovarian cancer syndrome; Breast and ovarian cancer. Identifiers: Orphanet 145, MedGen C0677776, MeSH D061325, MONDO:0003582. Disease mechanism: loss of function.

Allele frequency attached by ClinVar (database versions not stated): gnomAD exomes below 0.00001.
gnomAD v4.1: 1 of 1,613,866 alleles (0.000062%); highest among the groups gnomAD compares: East Asian, 0.0022%; no homozygotes.

Submissions 1 to 5 of 7:

ClinGen ENIGMA BRCA1 and BRCA2 Variant Curation Expert Panel, ClinGen
Classification: Pathogenic for BRCA2-related cancer predisposition. Last evaluated: 2026-07-06. Review status: reviewed by expert panel. Criteria: CSpec BRCA1/2ACMG Rules Specifications V1.2. Collection method: curation. Allele origin: germline. Inheritance: Autosomal dominant inheritance.
Comment: The c.7847C>T variant in BRCA2 is a missense variant predicted to cause substitution of serine by phenylalanine at amino acid 2616 (p.(Ser2616Phe)). This variant is absent from gnomAD v2.1 (exomes only, non-cancer subset, read depth ≥25) and gnomAD v3.1 (non-cancer subset, read depth ≥25) (PM2_Supporting met). This BRCA2 missense variant is within a key functional domain and the computational predictor BayesDel (noAF) gives a score of 0.12, which is below the recommended threshold of 0.18 for predicting no impact on BRCA2 via protein change. A SpliceAI score of 0.05 predicts no impact on splicing (score threshold ≤0.1) (BP4 met). Reported by 4 calibrated studies to exhibit protein function similar to pathogenic control variants (PMIDs: 38417439, 32444794, 39779857, 39779848) (PS3 met). Cosegregation analysis of 9 families carrying this variant provided evidence towards pathogenicity, and has a Bayes Score of 58.44 (applied as LR), within the thresholds for Strong pathogenic evidence (LR ≥18.7 & <350) (PP1_Strong met; PMID:41856558). Multifactorial likelihood ratio analysis using clinically calibrated data produced a combined LR for this variant of 15.58 (based on Pathology LR=15.58), within the thresholds for moderate evidence towards pathogenicity (LR ≥4.3 & <18.7) (PP4_Moderate met; PMID:41856558). Total points equated to 2 (PM3 met; PMID:30792206). In summary, this variant meets the criteria to be classified as a Pathogenic variant for BRCA2-related cancer predisposition based on the ACMG/AMP criteria applied as specified by the ENIGMA BRCA1/2 VCEP (v1.2) (PM2_Supporting, BP4, PS3, PM3, PP1_Strong, PP4_Moderate).

Myriad Genetics, Inc.
Classification: Likely pathogenic for Breast-ovarian cancer, familial, susceptibility to, 2. Last evaluated: 2026-06-30. Review status: criteria provided, single submitter. Criteria: Myriad Autosomal Dominant, Autosomal Recessive and X-Linked Classification Criteria (2023). Collection method: clinical testing. Allele origin: unknown. Not counted in ClinVar's aggregate classification.
Comment: This variant is considered likely pathogenic. Functional studies indicate this variant impacts protein function [PMID: 38417439, 37731132, 39779857, 39779848]. This variant has been reported in an individual with clinical features of gene-specific disease [PMID: 30792206]. This variant has shown to segregate with cancer in one or more families [PMID: 41856558].

Dept of Medical Genetics, NHO Tokyo Medical Center
Classification: Pathogenic for Hereditary breast ovarian cancer syndrome. Last evaluated: 2026-04-03. Review status: criteria provided, single submitter. Criteria: ClinGen BRCA1 and BRCA2 Guidelines, 2024. Collection method: curation, in vitro. Allele origin: germline, not applicable. Inheritance: Autosomal dominant inheritance. Observed: 44 variant alleles, 1 compound heterozygote. Functional consequence: loss of function. Not counted in ClinVar's aggregate classification.
Comment: This record was originally submitted as Likely pathogenic in 2023 and is now reclassified as Pathogenic based on newly accumulated evidence published in J Med Genet (PMID: 41856558). Under the ClinGen ENIGMA BRCA1/2 VCEP framework, BRCA2 c.7847C>T (p.Ser2616Phe) met PP1_Strong, PS3, PM3_Moderate, and PM2_Supporting, with BP4 also applied, for a net total of 10 points and estimated odds of pathogenicity of approximately 895:1. The updated evidence includes 44 carriers from 35 Japanese families, including 9 informative families supporting quantitative cosegregation and PP1_Strong. Two unaffected carriers were also identified, so affected status was entered as unknown in the aggregate observation. Additional evidence included our MANO-B functional assay showing a deleterious effect (PMID: 37067535; PMID: 32444794), as well as independent published HDR and saturation genome editing studies that consistently supported a damaging effect of this variant (PMID: 37731132; PMID: 38417439; PMID: 39779848; PMID: 39779857). A reported Fanconi anaemia case in trans with a canonical pathogenic allele supported PM3_Moderate, and rarity in population databases supported PM2_Supporting.

Labcorp Genetics (formerly Invitae), Labcorp
Classification: Uncertain significance for Hereditary breast ovarian cancer syndrome. Last evaluated: 2025-03-16. Review status: criteria provided, single submitter. Criteria: Invitae Variant Classification Sherloc (09022015). Collection method: clinical testing. Allele origin: germline. Not counted in ClinVar's aggregate classification.
Comment: This sequence change replaces serine, which is neutral and polar, with phenylalanine, which is neutral and non-polar, at codon 2616 of the BRCA2 protein (p.Ser2616Phe). This variant is not present in population databases (gnomAD no frequency). This missense change has been observed in individual(s) with breast cancer, clinical features of Fanconi anemia, and/or ovarian cancer (PMID: 19016756, 30287823, 30792206, 37067535). It has also been observed to segregate with disease in related individuals. ClinVar contains an entry for this variant (Variation ID: 630829). Invitae Evidence Modeling of protein sequence and biophysical properties (such as structural, functional, and spatial information, amino acid conservation, physicochemical variation, residue mobility, and thermodynamic stability) indicates that this missense variant is not expected to disrupt BRCA2 protein function with a negative predictive value of 95%. Experimental studies have shown that this missense change affects BRCA2 function (PMID: 32444794, 37731132). In summary, the available evidence is currently insufficient to determine the role of this variant in disease. Therefore, it has been classified as a Variant of Uncertain Significance.

Ambry Genetics
Classification: Likely pathogenic for Hereditary cancer-predisposing syndrome. Last evaluated: 2025-03-14. Review status: criteria provided, single submitter. Criteria: Ambry Variant Classification Scheme 2023. Collection method: clinical testing. Allele origin: germline. Not counted in ClinVar's aggregate classification.
Comment: The p.S2616F variant (also known as c.7847C>T), located in coding exon 16 of the BRCA2 gene, results from a C to T substitution at nucleotide position 7847. The serine at codon 2616 is replaced by phenylalanine, an amino acid with highly dissimilar properties. Protein functional studies measuring homologous recombination repair activity and drug sensitivity demonstrated this variant to be deleterious (Guo, Q et al. J Hum Genet 2023 Dec;68(12):849-857; Ikegami, M et al. Nat Commun 2020 May;11(1):2573). Two saturation genome editing-based studies, including a haploid cell-survival assay and a humanized mouse embryonic stem cell line assay of drug response and survival, demonstrate that this nucleotide substitution is non-functional (Huang H et al. Nature. 2025 Feb;638(8050):528-537; Sahu S et al. Nature. 2025 Feb;638(8050):538-545). This variant was identified in a Fanconi Anemia patient with a second pathogenic BRCA2 alteration (Mori, M et al. Haematologica 2019 Oct;104(10):1962-1973). This amino acid position is well conserved in available vertebrate species. In addition, the in silico prediction for this alteration is inconclusive. Based on the majority of available evidence to date, this variant is likely to be pathogenic. However, because this variant is identified in one or more patients with Fanconi Anemia it may be hypomorphic and thus, carriers of this variant and their families may present with reduced risks, and not with the typical clinical characteristics of a high-risk pathogenic BRCA2 alteration. As risk estimates are unknown at this time, clinical correlation is advised.

NM_000059.4(BRCA2):c.7847C>T (p.Ser2616Phe)

Gene: BRCA2 (BRCA2 DNA repair associated; plus strand). Cytogenetic location: 13q13.1.
Variant type: single nucleotide variant.
Coding change: c.7847C>T on transcript NM_000059.4 (MANE Select); coding-DNA position 7847, C replaced by T.
Protein change: p.Ser2616Phe; replaces serine 2616 with phenylalanine.
Molecular consequence: missense variant.
Genome position (GRCh38, 1-based): chr13:32,362,564, C>T. VCF-style: chr13-32362564-C-T. GRCh37 (hg19) VCF-style: chr13-32936701-C-T.
Other names: p.Ser2616Phe; NM_000059.4(BRCA2):c.7847C>T; short protein forms S2616F.
Identifiers: ClinVar variation 630829 (VCV000630829.24), dbSNP rs1174303167, ClinGen allele CA387747040.